The following is an entry in ClinVar:

ClinVar aggregate classification (germline): Likely benign. Review status: criteria provided, multiple submitters, no conflicts (2 of 4 stars). 3 submissions from 3 submitters: Likely benign (2). 1 of the submissions does not count toward it. Last evaluated 2024-11-25.

Conditions:
CACNA1I-related disorder. Also called: CACNA1I-related condition.

Allele frequency attached by ClinVar (database versions not stated): 1000 Genomes Project 30x 0.00078; 1000 Genomes Project 0.00080; gnomAD 0.00092; TOPMed 0.00101; gnomAD exomes 0.00122; ESP Exome Variant Server 0.00128; ExAC 0.00158.
gnomAD v4.1: 1,947 of 1,614,020 alleles (0.12%); highest among the groups gnomAD compares: Middle Eastern, 0.33%; 6 homozygotes.

Submissions (3):

Blueprint Genetics
Classification: Likely benign. Last evaluated: 2024-11-25. Review status: criteria provided, single submitter. Criteria: ACMG Guidelines, 2015. Collection method: clinical testing. Allele origin: germline.

CeGaT Center for Human Genetics Tuebingen
Classification: Likely benign. Last evaluated: 2023-11-01. Review status: criteria provided, single submitter. Criteria: CeGaT Center For Human Genetics Tuebingen Variant Classification Criteria Version 2. Collection method: clinical testing. Allele origin: germline. Affected: yes. Observed: 1 variant allele.
Comment: CACNA1I: BS1

PreventionGenetics, part of Exact Sciences
Classification: Benign for CACNA1I-related condition. Last evaluated: 2019-02-21. Review status: no assertion criteria provided. Collection method: clinical testing. Allele origin: germline. Not counted in ClinVar's aggregate classification.
Comment: This variant is classified as benign based on ACMG/AMP sequence variant interpretation guidelines (Richards et al. 2015 PMID: 25741868, with internal and published modifications).

NM_021096.4(CACNA1I):c.905A>G (p.Asp302Gly)

Gene: CACNA1I (calcium voltage-gated channel subunit alpha1 I; plus strand). Cytogenetic location: 22q13.1.
Variant type: single nucleotide variant.
Coding change: c.905A>G on transcript NM_021096.4 (MANE Select); coding-DNA position 905, A replaced by G.
Protein change: p.Asp302Gly; replaces aspartic acid 302 with glycine.
Molecular consequence: missense variant.
Genome position (GRCh38, 1-based): chr22:39,641,031, A>G. VCF-style: chr22-39641031-A-G. GRCh37 (hg19) VCF-style: chr22-40037036-A-G.
Other names: c.905A>G, p.Asp302Gly (NM_001003406.2); c.905A>G (NM_021096.3); short protein forms D302G.
Identifiers: ClinVar variation 2672910 (VCV002672910.25), dbSNP rs59635914, ClinGen allele CA10243723.